The following is an entry in ClinVar:

ClinVar aggregate classification (germline): Benign (0 of 4 stars; one submission).

Conditions:
NEO1-related disorder. Also called: NEO1-related condition.

Allele frequency attached by ClinVar (database versions not stated): ESP Exome Variant Server 0.01085; 1000 Genomes Project 0.01218; 1000 Genomes Project 30x 0.01312.
gnomAD v4.1: 3,004 of 1,613,032 alleles (0.19%); highest among the groups gnomAD compares: African/African-American, 3.5%; 49 homozygotes.

Submission:

PreventionGenetics, part of Exact Sciences
Classification: Benign for NEO1-related condition. Last evaluated: 2019-06-04. Review status: no assertion criteria provided. Collection method: clinical testing. Allele origin: germline.
Comment: This variant is classified as benign based on ACMG/AMP sequence variant interpretation guidelines (Richards et al. 2015 PMID: 25741868, with internal and published modifications).

NM_002499.4(NEO1):c.1291+9G>T

Gene: NEO1 (neogenin 1; plus strand). Cytogenetic location: 15q24.1.
Variant type: single nucleotide variant.
Coding change: c.1291+9G>T on transcript NM_002499.4 (MANE Select); 9 bases into the intron after coding-DNA position 1291, G replaced by T.
Molecular consequence: intron variant.
Genome position (GRCh38, 1-based): chr15:73,178,436, G>T. VCF-style: chr15-73178436-G-T. GRCh37 (hg19) VCF-style: chr15-73470777-G-T.
Other names: c.1291+9G>T (NM_001172624.2, NM_001419531.1, NM_001172623.2).
Identifiers: ClinVar variation 3044791 (VCV003044791.2), dbSNP rs76944250, ClinGen allele CA7647823.